The following is an entry in ClinVar:

ClinVar aggregate classification (germline): Pathogenic (1 of 4 stars; one submission).

Conditions:
Melnick-Needles syndrome (MNS). Also called: MELNICK-NEEDLES OSTEODYSPLASTY; Melnick-Needles Syndrome (FLNA-MNS); OSTEODYSPLASTY OF MELNICK AND NEEDLES. Identifiers: Orphanet 2484, MedGen C0025237, MONDO:0010650, OMIM 309350.
Frontometaphyseal dysplasia (FMD1). Identifiers: Orphanet 1826, MedGen C0265293, MONDO:0015942.
Heterotopia, periventricular, X-linked dominant (PVNH1). Also called: PERIVENTRICULAR NODULAR HETEROTOPIA 1; X-linked periventricular heterotopia; PERIVENTRICULAR NODULAR HETEROTOPIA 4; HETEROTOPIA, PERIVENTRICULAR, 1. Identifiers: Orphanet 2149, Orphanet 82004, MedGen C1848213, MONDO:0010233, OMIM 300049.
Oto-palato-digital syndrome, type II (OPD2). Also called: FACIOPALATOOSSEOUS SYNDROME; Otopalatodigital Syndrome Type 2 (FLNA-OPD2); OPD II SYNDROME; Otopalatodigital Syndrome, Type II. Identifiers: Orphanet 669, Orphanet 90652, MedGen C1844696, MONDO:0010571, OMIM 304120.

Submission:

Labcorp Genetics (formerly Invitae), Labcorp
Classification: Pathogenic for Oto-palato-digital syndrome, type II; Heterotopia, periventricular, X-linked dominant; Frontometaphyseal dysplasia; Melnick-Needles syndrome. Last evaluated: 2022-07-19. Review status: criteria provided, single submitter. Criteria: Invitae Variant Classification Sherloc (09022015). Collection method: clinical testing. Allele origin: germline.
Comment: This variant is a gross deletion of the genomic region encompassing exon(s) 1-2 of the FLNA gene, which includes the initiator codon. This deletion extends beyond the assayed region for this gene and therefore may encompass additional genes. It is expected to result in an absent or disrupted protein product. Loss-of-function variants in FLNA are known to be pathogenic (PMID: 16684786, 20730588, 26471271). This variant has not been reported in the literature in individuals affected with FLNA-related conditions. For these reasons, this variant has been classified as Pathogenic.

Literature cited by the submitters: PubMed 16684786; PubMed 20730588; PubMed 26471271.

NC_000023.10:g.(?_153599231)_(153609567_?)del

Genes: EMD (emerin; plus strand), FLNA (filamin A; minus strand). Cytogenetic location: Xq28.
Variant type: Deletion.
Identifiers: ClinVar variation 1455467 (VCV001455467.4).